The following is an entry in ClinVar:

ClinVar aggregate classification (germline): Conflicting classifications of pathogenicity. Review status: criteria provided, conflicting classifications (1 of 4 stars). 4 submissions from 4 submitters: Uncertain significance (3); Likely benign (1). Last evaluated 2025-02-05.

Conditions:
Classic or attenuated familial adenomatous polyposis. Identifiers: MedGen CN372698, MONDO:0021057.
Familial adenomatous polyposis 1 (FAP1). Also called: FAMILIAL ADENOMATOUS POLYPOSIS 1, ATTENUATED; POLYPOSIS, ADENOMATOUS INTESTINAL. Identifiers: MedGen C2713442, MONDO:0021056, OMIM 175100. Disease mechanism: loss of function.
APC-related disorder. Also called: APC-related condition.
Hereditary cancer-predisposing syndrome. Also called: Hereditary neoplastic syndrome; Neoplastic Syndromes, Hereditary; Tumor predisposition; Hereditary Cancer Syndrome. Identifiers: Orphanet 140162, MedGen C0027672, MeSH D009386, MONDO:0015356.

Allele frequency attached by ClinVar (database versions not stated): gnomAD 0.00001; TOPMed 0.00001.
gnomAD v4.1: 2 of 1,613,608 alleles (0.00012%); highest among the groups gnomAD compares: African/African-American, 0.0027%; no homozygotes.

Submissions (4):

Labcorp Genetics (formerly Invitae), Labcorp
Classification: Uncertain significance for Familial adenomatous polyposis 1. Last evaluated: 2025-02-05. Review status: criteria provided, single submitter. Criteria: Invitae Variant Classification Sherloc (09022015). Collection method: clinical testing. Allele origin: germline.
Comment: This sequence change replaces threonine, which is neutral and polar, with serine, which is neutral and polar, at codon 2481 of the APC protein (p.Thr2481Ser). This variant is present in population databases (no rsID available, gnomAD 0.02%). This variant has not been reported in the literature in individuals affected with APC-related conditions. ClinVar contains an entry for this variant (Variation ID: 939283). Invitae Evidence Modeling of protein sequence and biophysical properties (such as structural, functional, and spatial information, amino acid conservation, physicochemical variation, residue mobility, and thermodynamic stability) indicates that this missense variant is not expected to disrupt APC protein function with a negative predictive value of 95%. In summary, the available evidence is currently insufficient to determine the role of this variant in disease. Therefore, it has been classified as a Variant of Uncertain Significance.

Ambry Genetics
Classification: Likely benign for Hereditary cancer-predisposing syndrome. Last evaluated: 2024-09-08. Review status: criteria provided, single submitter. Criteria: Ambry Variant Classification Scheme 2023. Collection method: clinical testing. Allele origin: germline.

All of Us Research Program, National Institutes of Health
Classification: Uncertain significance for Classic or attenuated familial adenomatous polyposis. Last evaluated: 2023-06-26. Review status: criteria provided, single submitter. Criteria: ACMG Guidelines, 2015. Collection method: clinical testing. Allele origin: germline. Inheritance: Autosomal dominant inheritance. Observed: 1 variant allele, 1 heterozygote.
Comment: This missense variant replaces threonine with serine at codon 2481 of the APC protein. Computational prediction suggests that this variant may not impact protein structure and function (internally defined REVEL score threshold <= 0.5, PMID: 27666373). To our knowledge, functional studies have not been reported for this variant. This variant has not been reported in individuals affected with APC-related disorders in the literature. This variant has been identified in 2/31378 chromosomes in the general population by the Genome Aggregation Database (gnomAD). The available evidence is insufficient to determine the role of this variant in disease conclusively. Therefore, this variant is classified as a Variant of Uncertain Significance.

This study involves interpretation of variants in research participants for the purpose of population health screening. Participant phenotype was not available at the time of variant classification. Additional details can be found in publication PMID: 35346344, PMCID: PMC8962531

PreventionGenetics, part of Exact Sciences
Classification: Uncertain significance for APC-related condition. Last evaluated: 2023-04-13. Review status: criteria provided, single submitter. Criteria: ACMG Guidelines, 2015. Collection method: clinical testing. Allele origin: germline.
Comment: The APC c.7441A>T variant is predicted to result in the amino acid substitution p.Thr2481Ser. To our knowledge, this variant has not been reported in the literature. This variant is reported in 2 of ~31,000 alleles in individuals in gnomAD and is interpreted as uncertain significance in ClinVar. At this time, the clinical significance of this variant is uncertain due to the absence of conclusive functional and genetic evidence.

NM_000038.6(APC):c.7441A>T (p.Thr2481Ser)

Gene: APC (APC regulator of Wnt signaling pathway; plus strand). Cytogenetic location: 5q22.2.
Variant type: single nucleotide variant.
Coding change: c.7441A>T on transcript NM_000038.6 (MANE Select); coding-DNA position 7441, A replaced by T.
Protein change: p.Thr2481Ser; replaces threonine 2481 with serine.
Molecular consequence: missense variant.
Genome position (GRCh38, 1-based): chr5:112,843,035, A>T. VCF-style: chr5-112843035-A-T. GRCh37 (hg19) VCF-style: chr5-112178732-A-T.
Other names: c.7441A>T, p.Thr2481Ser (NM_001127510.3, NM_001354895.2); c.7387A>T, p.Thr2463Ser (NM_001127511.3); c.7495A>T, p.Thr2499Ser (NM_001354896.2); c.7471A>T, p.Thr2491Ser (NM_001354897.2); c.7366A>T, p.Thr2456Ser (NM_001354898.2); c.7357A>T, p.Thr2453Ser (NM_001354899.2); c.7318A>T, p.Thr2440Ser (NM_001354900.2); c.7264A>T, p.Thr2422Ser (NM_001354901.2); and 5 more; short protein forms T2355S, T2422S, T2440S, T2453S, T2198S, T2321S, T2380S, T2456S.
Identifiers: ClinVar variation 939283 (VCV000939283.14), dbSNP rs1321275331, ClinGen allele CA16037526.